The following is an entry in ClinVar:

ClinVar aggregate classification (germline): Uncertain significance. Review status: criteria provided, multiple submitters, no conflicts (2 of 4 stars). 5 submissions from 3 submitters: Uncertain significance (5). Last evaluated 2022-09-23.

Conditions:
Cockayne syndrome type 2 (CSB). Also called: Cockayne Syndrome, Type II; COCKAYNE SYNDROME B. Identifiers: Orphanet 191, Orphanet 90322, MedGen C0751038, MONDO:0019570, OMIM 133540.
Age related macular degeneration 5. Identifiers: MedGen C3151063, MONDO:0013409, OMIM 613761.
Cerebrooculofacioskeletal syndrome 1 (COFS1). Also called: Cerebro-oculo-facio-skeletal syndrome 1. Identifiers: MedGen C0220722, MONDO:0008955, OMIM 214150.

Allele frequency attached by ClinVar (database versions not stated): TOPMed 0.00017; gnomAD 0.00018 and 0.00020; gnomAD exomes 0.00021 and 0.00029; ESP Exome Variant Server 0.00023; ExAC 0.00028.
gnomAD v4.1: 452 of 1,613,320 alleles (0.028%); highest among the groups gnomAD compares: Non-Finnish European, 0.036%; no homozygotes.

Submissions (5):

Labcorp Genetics (formerly Invitae), Labcorp
Classification: Uncertain significance. Last evaluated: 2022-09-23. Review status: criteria provided, single submitter. Criteria: Invitae Variant Classification Sherloc (09022015). Collection method: clinical testing. Allele origin: germline.
Comment: This sequence change replaces arginine, which is basic and polar, with histidine, which is basic and polar, at codon 479 of the ERCC6 protein (p.Arg479His). This variant is present in population databases (rs139161933, gnomAD 0.04%). This variant has not been reported in the literature in individuals affected with ERCC6-related conditions. ClinVar contains an entry for this variant (Variation ID: 300079). Advanced modeling of protein sequence and biophysical properties (such as structural, functional, and spatial information, amino acid conservation, physicochemical variation, residue mobility, and thermodynamic stability) performed at Invitae indicates that this missense variant is not expected to disrupt ERCC6 protein function. In summary, the available evidence is currently insufficient to determine the role of this variant in disease. Therefore, it has been classified as a Variant of Uncertain Significance.

Mayo Clinic Laboratories, Mayo Clinic
Classification: Uncertain significance. Last evaluated: 2021-09-29. Review status: criteria provided, single submitter. Criteria: ACMG Guidelines, 2015. Collection method: clinical testing. Allele origin: germline.

Illumina Laboratory Services, Illumina
Classification: Uncertain significance for Cerebrooculofacioskeletal syndrome 1. Last evaluated: 2018-01-13. Review status: criteria provided, single submitter. Criteria: ICSL Variant Classification Criteria 13 December 2019. Collection method: clinical testing. Allele origin: germline.

Illumina Laboratory Services, Illumina
Classification: Uncertain significance for Age related macular degeneration 5. Last evaluated: 2018-01-13. Review status: criteria provided, single submitter. Criteria: ICSL Variant Classification Criteria 13 December 2019. Collection method: clinical testing. Allele origin: germline.

Illumina Laboratory Services, Illumina
Classification: Uncertain significance for Cockayne syndrome type 2. Last evaluated: 2018-01-13. Review status: criteria provided, single submitter. Criteria: ICSL Variant Classification Criteria 13 December 2019. Collection method: clinical testing. Allele origin: germline.

NM_000124.4(ERCC6):c.1436G>A (p.Arg479His)

Gene: ERCC6 (ERCC excision repair 6, chromatin remodeling factor; minus strand). Cytogenetic location: 10q11.23.
Variant type: single nucleotide variant.
Coding change: c.1436G>A on transcript NM_000124.4 (MANE Select); coding-DNA position 1436, G replaced by A.
Protein change: p.Arg479His; replaces arginine 479 with histidine.
Molecular consequence: missense variant.
Genome position (GRCh38, 1-based): chr10:49,505,974, C>T on the plus strand (G>A on the coding strand, the complement: ERCC6 is on the minus strand). VCF-style: chr10-49505974-C-T. GRCh37 (hg19) VCF-style: chr10-50714020-C-T.
Other names: c.1436G>A, p.Arg479His (NM_001346440.2); short protein forms R479H.
Identifiers: ClinVar variation 300079 (VCV000300079.13), dbSNP rs139161933, ClinGen allele CA5495971.